The following is an entry in ClinVar:

ClinVar aggregate classification (germline): Benign/Likely benign. Review status: criteria provided, multiple submitters, no conflicts (2 of 4 stars). 5 submissions from 5 submitters: Benign (1); Likely benign (3). 1 of the submissions does not count toward it. Last evaluated 2024-06-25.

Conditions:
COCH-related disorder. Also called: COCH-related condition.
Autosomal dominant nonsyndromic hearing loss 9. Identifiers: Orphanet 90635, MedGen C1832425, MONDO:0011058, OMIM 601369.

Allele frequency attached by ClinVar (database versions not stated): gnomAD 0.00001 and 0.00014; TOPMed 0.00005; gnomAD exomes 0.00026 and 0.00048; ExAC 0.00052; 1000 Genomes Project 0.00120; 1000 Genomes Project 30x 0.00141.
gnomAD v4.1: 404 of 1,613,262 alleles (0.025%); highest among the groups gnomAD compares: South Asian, 0.38%; 4 homozygotes.

Submissions (5):

Blueprint Genetics
Classification: Likely benign. Last evaluated: 2024-06-25. Review status: criteria provided, single submitter. Criteria: ACMG Guidelines, 2015. Collection method: clinical testing. Allele origin: germline.

Labcorp Genetics (formerly Invitae), Labcorp
Classification: Benign. Last evaluated: 2023-10-26. Review status: criteria provided, single submitter. Criteria: Invitae Variant Classification Sherloc (09022015). Collection method: clinical testing. Allele origin: germline.

GeneDx
Classification: Likely benign. Last evaluated: 2021-03-11. Review status: criteria provided, single submitter. Criteria: GeneDx Variant Classification Process June 2021. Collection method: clinical testing. Allele origin: germline. Affected: yes.

Illumina Laboratory Services, Illumina
Classification: Likely benign for Autosomal dominant nonsyndromic hearing loss 9. Last evaluated: 2018-03-06. Review status: criteria provided, single submitter. Criteria: ICSL Variant Classification Criteria 13 December 2019. Collection method: clinical testing. Allele origin: germline.
Comment: This variant was observed in the ICSL laboratory as part of a predisposition screen in an ostensibly healthy population. It had not been previously curated by ICSL or reported in the Human Gene Mutation Database (HGMD: prior to June 1st, 2018), and was therefore a candidate for classification through an automated scoring system. Utilizing variant allele frequency, disease prevalence and penetrance estimates, and inheritance mode, an automated score was calculated to assess if this variant is too frequent to cause the disease. Based on the score and internal cut-off values, a variant classified as likely benign is not then subjected to further curation. The score for this variant resulted in a classification of likely benign for this disease.

PreventionGenetics, part of Exact Sciences
Classification: Likely benign for COCH-related condition. Last evaluated: 2019-04-18. Review status: no assertion criteria provided. Collection method: clinical testing. Allele origin: germline. Not counted in ClinVar's aggregate classification.
Comment: This variant is classified as likely benign based on ACMG/AMP sequence variant interpretation guidelines (Richards et al. 2015 PMID: 25741868, with internal and published modifications).

NM_004086.3(COCH):c.615C>T (p.Gly205=)

Genes: COCH (cochlin; plus strand), COCH-AS1 (COCH antisense RNA 1; minus strand). Cytogenetic location: 14q12.
Variant type: single nucleotide variant.
Coding change: c.615C>T on transcript NM_004086.3 (MANE Select); coding-DNA position 615, C replaced by T.
Protein change: p.Gly205=; no amino-acid change (glycine 205 retained).
Molecular consequence: synonymous variant.
Genome position (GRCh38, 1-based): chr14:30,880,720, C>T. VCF-style: chr14-30880720-C-T. GRCh37 (hg19) VCF-style: chr14-31349926-C-T.
Other names: c.615C>T, p.Gly205= (NM_001135058.2); c.810C>T, p.Gly270= (NM_001347720.2); c.615C>T (NM_001135058.1).
Identifiers: ClinVar variation 883531 (VCV000883531.11), dbSNP rs548387738, ClinGen allele CA7143095.